The following is an entry in ClinVar:

ClinVar aggregate classification (germline): Benign (1 of 4 stars; one submission).

Allele frequency attached by ClinVar (database versions not stated): 1000 Genomes Project 0.00559; gnomAD 0.00862 and 0.00876; TOPMed 0.00946; gnomAD exomes 0.01036.
gnomAD v4.1: 3,878 of 399,750 alleles (0.97%); highest among the groups gnomAD compares: Non-Finnish European, 1.3%; 32 homozygotes.

Submission:

CeGaT Center for Human Genetics Tuebingen
Classification: Benign. Last evaluated: 2026-08-01. Review status: criteria provided, single submitter. Criteria: CeGaT Center For Human Genetics Tuebingen Variant Classification Criteria Version 2. Collection method: clinical testing. Allele origin: germline. Affected: yes. Observed: 58 variant alleles.
Comment: AP3B2: BS1, BS2

NM_001278512.2(AP3B2):c.113+9741C>T

Gene: AP3B2 (adaptor related protein complex 3 subunit beta 2; minus strand). Cytogenetic location: 15q25.2.
Variant type: single nucleotide variant.
Coding change: c.113+9741C>T on transcript NM_001278512.2 (MANE Select); 9741 bases into the intron after coding-DNA position 113, C replaced by T.
Molecular consequence: intron variant.
Genome position (GRCh38, 1-based): chr15:82,699,853, G>A on the plus strand (C>T on the coding strand, the complement: AP3B2 is on the minus strand). VCF-style: chr15-82699853-G-A. GRCh37 (hg19) VCF-style: chr15-83368605-G-A.
Other names: c.113+9741C>T (NM_001278511.2, NM_004644.5, NM_001348440.2).
Identifiers: ClinVar variation 1694763 (VCV001694763.31), dbSNP rs186017271, ClinGen allele CA273469941.